The following is an entry in ClinVar:

NM_000245.4(MET):c.1374A>G (p.Ser458=)

Gene: MET (MET proto-oncogene, receptor tyrosine kinase; plus strand). Cytogenetic location: 7q31.2.
Variant type: single nucleotide variant.
Coding change: c.1374A>G on transcript NM_000245.4 (MANE Select); coding-DNA position 1374, A replaced by G.
Protein change: p.Ser458=; no amino-acid change (serine 458 retained).
Molecular consequence: synonymous variant.
Genome position (GRCh38, 1-based): chr7:116,731,841, A>G. VCF-style: chr7-116731841-A-G. GRCh37 (hg19) VCF-style: chr7-116371895-A-G.
Other names: c.1374A>G, p.Ser458= (NM_001127500.3, NM_001324401.3); c.84A>G, p.Ser28= (NM_001324402.2).
Identifiers: ClinVar variation 698969 (VCV000698969.16), dbSNP rs755165691, ClinGen allele CA4448140.

ClinVar aggregate classification (germline): Benign/Likely benign. Review status: criteria provided, multiple submitters, no conflicts (2 of 4 stars). 4 submissions from 4 submitters: Benign (1); Likely benign (3). Last evaluated 2026-01-11.

Conditions:
Papillary renal cell carcinoma type 1 (RCCP1). Also called: RENAL CELL CARCINOMA, PAPILLARY, 1, SOMATIC; Renal adenocarcinoma; Renal cell carcinoma 1; Renal cell carcinoma, somatic. Identifiers: Orphanet 47044, MedGen C1336839, OMIM 605074, HP:0011797.
Hereditary cancer-predisposing syndrome. Also called: Hereditary Cancer Syndrome; Neoplastic Syndromes, Hereditary; Hereditary neoplastic syndrome; Tumor predisposition. Identifiers: Orphanet 140162, MedGen C0027672, MeSH D009386, MONDO:0015356.
Renal cell carcinoma. Identifiers: Orphanet 217071, MedGen C0007134, MeSH D002292, MONDO:0005086, HP:0005584.

Allele frequency attached by ClinVar (database versions not stated): gnomAD exomes below 0.00001 and 0.00003; TOPMed 0.00002; gnomAD 0.00003 and 0.00004; ExAC 0.00005.
gnomAD v4.1: 13 of 1,613,976 alleles (0.00081%); highest among the groups gnomAD compares: East Asian, 0.022%; no homozygotes.

Submissions (4):

Labcorp Genetics (formerly Invitae), Labcorp
Classification: Likely benign for Renal cell carcinoma. Last evaluated: 2026-01-11. Review status: criteria provided, single submitter. Criteria: Invitae Variant Classification Sherloc (09022015). Collection method: clinical testing. Allele origin: germline.

Center for Genomic Medicine, Rigshospitalet, Copenhagen University Hospital
Classification: Likely benign. Last evaluated: 2025-03-04. Review status: criteria provided, single submitter. Criteria: ACMG Guidelines, 2015. Collection method: clinical testing. Allele origin: germline.

Myriad Genetics, Inc.
Classification: Benign for Papillary renal cell carcinoma type 1. Last evaluated: 2024-11-07. Review status: criteria provided, single submitter. Criteria: Myriad Autosomal Dominant, Autosomal Recessive and X-Linked Classification Criteria (2023). Collection method: clinical testing. Allele origin: unknown.
Comment: This variant is considered benign. This variant is a silent/synonymous amino acid change and it is not expected to impact splicing.

Ambry Genetics
Classification: Likely benign for Hereditary cancer-predisposing syndrome. Last evaluated: 2019-08-14. Review status: criteria provided, single submitter. Criteria: Ambry Variant Classification Scheme 2023. Collection method: clinical testing. Allele origin: germline.